The following is an entry in ClinVar:

ClinVar aggregate classification (germline): Benign (1 of 4 stars; one submission).

Allele frequency attached by ClinVar (database versions not stated): 1000 Genomes Project 0.85962; 1000 Genomes Project 30x 0.86274; gnomAD 0.89249 and 0.90058; TOPMed 0.89901.
gnomAD v4.1: 135,847 of 152,236 alleles (89%); highest among the groups gnomAD compares: African/African-American, 94%; 60,821 homozygotes.

Submission:

GeneDx
Classification: Benign. Last evaluated: 2018-06-14. Review status: criteria provided, single submitter. Criteria: GeneDx Variant Classification (06012015). Collection method: clinical testing. Allele origin: germline. Affected: yes.
Comment: This variant is considered likely benign or benign based on one or more of the following criteria: it is a conservative change, it occurs at a poorly conserved position in the protein, it is predicted to be benign by multiple in silico algorithms, and/or has population frequency not consistent with disease.

NM_003640.5(ELP1):c.3572+199C>T

Gene: ELP1 (elongator acetyltransferase complex subunit 1; minus strand). Cytogenetic location: 9q31.3.
Variant type: single nucleotide variant.
Coding change: c.3572+199C>T on transcript NM_003640.5 (MANE Select); 199 bases into the intron after coding-DNA position 3572, C replaced by T.
Molecular consequence: intron variant.
Genome position (GRCh38, 1-based): chr9:108,879,247, G>A on the plus strand (C>T on the coding strand, the complement: ELP1 is on the minus strand). VCF-style: chr9-108879247-G-A. GRCh37 (hg19) VCF-style: chr9-111641527-G-A.
Other names: c.3230+199C>T (NM_001318360.2); c.2525+199C>T (NM_001330749.2).
Identifiers: ClinVar variation 681891 (VCV000681891.1), dbSNP rs1416899, ClinGen allele CA13017818.